The following is an entry in ClinVar:

ClinVar aggregate classification (germline): Uncertain significance. Review status: criteria provided, multiple submitters, no conflicts (2 of 4 stars). 4 submissions from 4 submitters: Uncertain significance (4). Last evaluated 2025-09-22.

Conditions:
Cardiovascular phenotype. Identifiers: MedGen CN230736.
Dilated cardiomyopathy 1JJ (CMD1JJ). Identifiers: Orphanet 154, MedGen C3808935, MONDO:0014095, OMIM 615235.

Allele frequency attached by ClinVar (database versions not stated): ExAC 0.00001; gnomAD 0.00001; gnomAD exomes 0.00001; TOPMed 0.00001.
gnomAD v4.1: 27 of 1,613,918 alleles (0.0017%); highest among the groups gnomAD compares: Non-Finnish European, 0.0022%; no homozygotes.

Submissions (4):

Labcorp Genetics (formerly Invitae), Labcorp
Classification: Uncertain significance for Dilated cardiomyopathy 1JJ. Last evaluated: 2025-09-22. Review status: criteria provided, single submitter. Criteria: Invitae Variant Classification Sherloc (09022015). Collection method: clinical testing. Allele origin: germline.
Comment: This sequence change replaces aspartic acid, which is acidic and polar, with valine, which is neutral and non-polar, at codon 472 of the LAMA4 protein (p.Asp472Val). This variant is present in population databases (rs781939403, gnomAD 0.002%). This variant has not been reported in the literature in individuals affected with LAMA4-related conditions. ClinVar contains an entry for this variant (Variation ID: 213612). Invitae Evidence Modeling of protein sequence and biophysical properties (such as structural, functional, and spatial information, amino acid conservation, physicochemical variation, residue mobility, and thermodynamic stability) indicates that this missense variant is not expected to disrupt LAMA4 protein function with a negative predictive value of 80%. In summary, the available evidence is currently insufficient to determine the role of this variant in disease. Therefore, it has been classified as a Variant of Uncertain Significance.

Ambry Genetics
Classification: Uncertain significance for Cardiovascular phenotype. Last evaluated: 2025-06-17. Review status: criteria provided, single submitter. Criteria: Ambry Variant Classification Scheme 2023. Collection method: clinical testing. Allele origin: germline.

GeneDx
Classification: Uncertain significance. Last evaluated: 2023-11-17. Review status: criteria provided, single submitter. Criteria: GeneDx Variant Classification Process June 2021. Collection method: clinical testing. Allele origin: germline. Affected: yes.
Comment: Has not been previously published as pathogenic or benign to our knowledge; Not observed at significant frequency in large population cohorts (gnomAD); In silico analysis supports that this missense variant has a deleterious effect on protein structure/function

Fulgent Genetics
Classification: Uncertain significance for Dilated cardiomyopathy 1JJ. Last evaluated: 2021-07-26. Review status: criteria provided, single submitter. Criteria: ACMG Guidelines, 2015. Collection method: clinical testing. Allele origin: unknown.

NM_001105206.3(LAMA4):c.1436A>T (p.Asp479Val)

Gene: LAMA4 (laminin subunit alpha 4; minus strand). Cytogenetic location: 6q21.
Variant type: single nucleotide variant.
Coding change: c.1436A>T on transcript NM_001105206.3 (MANE Select); coding-DNA position 1436, A replaced by T.
Protein change: p.Asp479Val; replaces aspartic acid 479 with valine.
Molecular consequence: missense variant.
Genome position (GRCh38, 1-based): chr6:112,172,726, T>A on the plus strand (A>T on the coding strand, the complement: LAMA4 is on the minus strand). VCF-style: chr6-112172726-T-A. GRCh37 (hg19) VCF-style: chr6-112493928-T-A.
Other names: p.D472V:GAT>GTT; c.1415A>T, p.Asp472Val (NM_001105207.3, NM_002290.5); short protein forms D472V, D479V.
Identifiers: ClinVar variation 213612 (VCV000213612.15), dbSNP rs781939403, ClinGen allele CA325046.
Genomic context (GRCh38, chr6:112,172,726, plus strand): 5'-ACATAGTTAAGGGCCTGGTCAAGTGCTTCCTGGAGATCTGACAACTTAGCATTGTAGTCA[T>A]CCAGCTGCTCCAGGACGACAGGAAACAGAGTGCGGGTCTCATTGTGCAGCCGCTGCCAGC-3'
Protein context (NP_001098676.2, residues 469-489): TLFPVVLEQL[Asp479Val]DYNAKLSDLQ